The following is an entry in ClinVar:

ClinVar aggregate classification (germline): Uncertain significance (1 of 4 stars; one submission).

Conditions:
Hereditary cancer-predisposing syndrome. Also called: Neoplastic Syndromes, Hereditary; Tumor predisposition; Hereditary neoplastic syndrome; Hereditary Cancer Syndrome. Identifiers: Orphanet 140162, MedGen C0027672, MeSH D009386, MONDO:0015356.

Submission:

Ambry Genetics
Classification: Uncertain significance for Hereditary cancer-predisposing syndrome. Last evaluated: 2026-07-06. Review status: criteria provided, single submitter. Criteria: Ambry Variant Classification Scheme 2023. Collection method: clinical testing. Allele origin: germline.
Comment: The p.L2290V variant (also known as c.6868T>G), located in coding exon 11 of the BRCA2 gene, results from a T to G substitution at nucleotide position 6868. The leucine at codon 2290 is replaced by valine, an amino acid with highly similar properties. This amino acid position is conserved. In addition, the in silico prediction for this alteration is inconclusive. Based on the available evidence, the clinical significance of this variant remains unclear.

NM_000059.4(BRCA2):c.6868T>G (p.Leu2290Val)

Gene: BRCA2 (BRCA2 DNA repair associated; plus strand). Cytogenetic location: 13q13.1.
Variant type: single nucleotide variant.
Coding change: c.6868T>G on transcript NM_000059.4 (MANE Select); coding-DNA position 6868, T replaced by G.
Protein change: p.Leu2290Val; replaces leucine 2290 with valine.
Molecular consequence: missense variant. On other transcripts: non-coding transcript variant (1), intron variant (1).
Genome position (GRCh38, 1-based): chr13:32,344,584, T>G. VCF-style: chr13-32344584-T-G. GRCh37 (hg19) VCF-style: chr13-32918721-T-G.
Other names: c.6868T>G, p.Leu2290Val (NM_001406720.1, NM_001432077.1); c.1936T>G, p.Leu646Val (NM_001406721.1); c.451T>G, p.Leu151Val (NM_001406722.1); c.6842-2243T>G (NM_001406719.1); short protein forms L646V, L151V, L2290V.
Identifiers: ClinVar variation 5033268 (VCV005033268.1).